The following is an entry in ClinVar:

NM_000051.4(ATM):c.5674+8A>G

Gene: ATM (ATM serine/threonine kinase; plus strand). Cytogenetic location: 11q22.3.
Variant type: single nucleotide variant.
Coding change: c.5674+8A>G on transcript NM_000051.4 (MANE Select); 8 bases into the intron after coding-DNA position 5674, A replaced by G.
Molecular consequence: intron variant.
Genome position (GRCh38, 1-based): chr11:108,304,860, A>G. VCF-style: chr11-108304860-A-G. GRCh37 (hg19) VCF-style: chr11-108175587-A-G.
Other names: c.5674+8A>G (NM_001351834.2).
Identifiers: ClinVar variation 1107530 (VCV001107530.10), dbSNP rs1033110152, ClinGen allele CA228390032.

ClinVar aggregate classification (germline): Likely benign. Review status: criteria provided, multiple submitters, no conflicts (2 of 4 stars). 2 submissions from 2 submitters: Likely benign (2). Last evaluated 2025-11-24.

Conditions:
Ataxia-telangiectasia syndrome (AT). Also called: Ataxia-telangiectasia, complementation group D; Ataxia telangiectasia (A-T); LOUIS-BAR SYNDROME; AT, COMPLEMENTATION GROUP C; Ataxia-telangiectasia; ATAXIA-TELANGIECTASIA, COMPLEMENTATION GROUP A. Identifiers: Orphanet 100, MedGen C0004135, MONDO:0008840, OMIM 208900.
Familial cancer of breast. Also called: Hereditary breast cancer; hereditary breast carcinoma; BREAST CANCER, FAMILIAL. Identifiers: Orphanet 227535, MedGen C0346153, MONDO:0016419, OMIM 114480. Disease mechanism: loss of function.

Allele frequency attached by ClinVar (database versions not stated): TOPMed below 0.00001; gnomAD exomes 0.00001.
gnomAD v4.1: 9 of 1,613,430 alleles (0.00056%); highest among the groups gnomAD compares: Non-Finnish European, 0.00076%; no homozygotes.

Submissions (2):

Labcorp Genetics (formerly Invitae), Labcorp
Classification: Likely benign for Ataxia-telangiectasia syndrome. Last evaluated: 2025-11-24. Review status: criteria provided, single submitter. Criteria: Invitae Variant Classification Sherloc (09022015). Collection method: clinical testing. Allele origin: germline.

Myriad Genetics, Inc.
Classification: Likely benign for Familial cancer of breast. Last evaluated: 2024-05-24. Review status: criteria provided, single submitter. Criteria: Myriad Autosomal Dominant, Autosomal Recessive and X-Linked Classification Criteria (2023). Collection method: clinical testing. Allele origin: unknown.
Comment: This variant is considered likely benign. This variant is intronic and is not expected to impact mRNA splicing.